The following is an entry in ClinVar:

ClinVar aggregate classification (germline): Uncertain significance. Review status: criteria provided, multiple submitters, no conflicts (2 of 4 stars). 3 submissions from 3 submitters: Uncertain significance (3). Last evaluated 2022-07-05.

Conditions:
Muscular dystrophy-dystroglycanopathy (congenital with brain and eye anomalies), type A14. Also called: WALKER-WARBURG SYNDROME OR MUSCLE-EYE-BRAIN DISEASE, GMPPB-RELATED; Muscular dystrophy-dystroglycanopathy (congenital with brain and eye anomalies), type a, 14; Congenital Muscular Dystrophy-Dystroglycanopathy with Brain and Eye Anomalies Type A 14; Congenital muscular dystrophy-dystroglycanopathy with brain and eye anomalies, type A14. Identifiers: Orphanet 588, MedGen C3809216, MONDO:0014140, OMIM 615350.
Muscular dystrophy-dystroglycanopathy (congenital with impaired intellectual development), type B, 14. Also called: Muscular dystrophy-dystroglycanopathy (congenital with intellectual disability), type B14; MUSCULAR DYSTROPHY, CONGENITAL, GMPPB-RELATED; Congenital muscular dystrophy-dystroglycanopathy with mental retardation, type B14. Identifiers: MedGen C3809221, MONDO:0014141, OMIM 615351.
Autosomal recessive limb-girdle muscular dystrophy type 2T. Also called: MUSCULAR DYSTROPHY-DYSTROGLYCANOPATHY, LIMB-GIRDLE, GMPPB-RELATED; MUSCULAR DYSTROPHY, LIMB-GIRDLE, TYPE 2T; Muscular dystrophy-dystroglycanopathy (limb-girdle), type c, 14; Limb-girdle muscular dystrophy-dystroglycanopathy, type C14. Identifiers: Orphanet 363623, MedGen C4518000, MONDO:0014142, OMIM 615352.

Allele frequency attached by ClinVar (database versions not stated): ExAC 0.00004; TOPMed 0.00002.

Submissions (3):

Labcorp Genetics (formerly Invitae), Labcorp
Classification: Uncertain significance for Autosomal recessive limb-girdle muscular dystrophy type 2T; Muscular dystrophy-dystroglycanopathy (congenital with brain and eye anomalies), type A14; Muscular dystrophy-dystroglycanopathy (congenital with impaired intellectual development), type B, 14. Last evaluated: 2022-07-05. Review status: criteria provided, single submitter. Criteria: Invitae Variant Classification Sherloc (09022015). Collection method: clinical testing. Allele origin: germline.
Comment: This sequence change replaces valine, which is neutral and non-polar, with methionine, which is neutral and non-polar, at codon 323 of the GMPPB protein (p.Val323Met). The frequency data for this variant in the population databases is considered unreliable, as metrics indicate poor data quality at this position in the gnomAD database. This variant has not been reported in the literature in individuals affected with GMPPB-related conditions. ClinVar contains an entry for this variant (Variation ID: 429279). Advanced modeling of protein sequence and biophysical properties (such as structural, functional, and spatial information, amino acid conservation, physicochemical variation, residue mobility, and thermodynamic stability) performed at Invitae indicates that this missense variant is not expected to disrupt GMPPB protein function. In summary, the available evidence is currently insufficient to determine the role of this variant in disease. Therefore, it has been classified as a Variant of Uncertain Significance.

Mayo Clinic Laboratories, Mayo Clinic
Classification: Uncertain significance. Last evaluated: 2020-11-12. Review status: criteria provided, single submitter. Criteria: ACMG Guidelines, 2015. Collection method: clinical testing. Allele origin: germline. Observed: 1 variant allele.

GeneDx
Classification: Uncertain significance. Last evaluated: 2017-04-28. Review status: criteria provided, single submitter. Criteria: GeneDx Variant Classification (06012015). Collection method: clinical testing. Allele origin: germline. Affected: yes.
Comment: The V350M variant has not been published as a pathogenic variant, nor has it been reported as a benign variant to our knowledge. The V350M variant is observed in 4/11570 (0.03%) alleles from individuals of Latino background (Lek et al., 2016; 1000 Genomes Consortium et al., 2015; Exome Variant Server). This variant is a conservative amino acid substitution, which is not likely to impact secondary protein structure as these residues share similar properties. However, this substitution occurs at a position that is conserved across species, and a missense variant in a nearby residue (R346S) has been reported in the Human Gene Mutation Database in association with limb-girdle muscular dystrophy (Stenson et al., 2014). In silico analysis is inconsistent in its predictions as to whether or not the variant is damaging to the protein structure/function.

NM_021971.4(GMPPB):c.967G>A (p.Val323Met)

Gene: GMPPB (GDP-mannose pyrophosphorylase B; minus strand). Cytogenetic location: 3p21.31.
Variant type: single nucleotide variant.
Coding change: c.967G>A on transcript NM_021971.4 (MANE Select); coding-DNA position 967, G replaced by A.
Protein change: p.Val323Met; replaces valine 323 with methionine.
Molecular consequence: missense variant.
Genome position (GRCh38, 1-based): chr3:49,721,868, C>T on the plus strand (G>A on the coding strand, the complement: GMPPB is on the minus strand). VCF-style: chr3-49721868-C-T. GRCh37 (hg19) VCF-style: chr3-49759301-C-T.
Other names: c.1048G>A, p.Val350Met (NM_013334.4); short protein forms V350M, V323M.
Identifiers: ClinVar variation 429279 (VCV000429279.9), dbSNP rs758284245, ClinGen allele CA2405372.
Genomic context (GRCh38, chr3:49,721,868, plus strand): 5'-CGCTGGCTCCGTTGAGGTAGAGCTCATCATTAACTATGACGTCCTCACCCAGCACTGTCA[C>T]GTTCTCCATGCGTACCTCCAGGAGAGGATAGGCCTTGTCAGGGAGGCAGGCACACTCCCC-3'
Protein context (NP_068806.2, residues 313-333): RVGQWVRMEN[Val323Met]TVLGEDVIVN